The following is an entry in ClinVar:

ClinVar aggregate classification (germline): Benign/Likely benign. Review status: criteria provided, multiple submitters, no conflicts (2 of 4 stars). 5 submissions from 5 submitters: Benign (4); Likely benign (1). Last evaluated 2026-01-15.

Conditions:
Leukodystrophy, hypomyelinating, 7, with or without oligodontia and/or hypogonadotropic hypogonadism (HLD7). Also called: LEUKOENCEPHALOPATHY, HYPOMYELINATING, WITH ATAXIA AND DELAYED DENTITION; ATAXIA, DELAYED DENTITION, AND HYPOMYELINATION; LEUKODYSTROPHY, HYPOMYELINATING, 7, WITH OLIGODONTIA; LEUKODYSTROPHY, HYPOMYELINATING, 7, WITH OLIGODONTIA AND HYPOGONADOTROPIC HYPOGONADISM; LEUKODYSTROPHY, HYPOMYELINATING, 7, WITHOUT OLIGODONTIA OR HYPOGONADOTROPIC HYPOGONADISM; Ataxia, Delayed Dentition and Hypomyelination (ADDH). Identifiers: Orphanet 137639, Orphanet 447893, Orphanet 447896, Orphanet 77295, Orphanet 88637, MedGen CN034185, MONDO:0011897, OMIM 607694.

Allele frequency attached by ClinVar (database versions not stated): gnomAD exomes 0.00065 and 0.00169; ExAC 0.00195; gnomAD 0.00618 and 0.00650; TOPMed 0.00660; ESP Exome Variant Server 0.00715; 1000 Genomes Project 0.00998; 1000 Genomes Project 30x 0.01031.
gnomAD v4.1: 1,940 of 1,613,010 alleles (0.12%); highest among the groups gnomAD compares: African/African-American, 2.2%; 16 homozygotes.

Submissions (5):

Labcorp Genetics (formerly Invitae), Labcorp
Classification: Benign. Last evaluated: 2026-01-15. Review status: criteria provided, single submitter. Criteria: Invitae Variant Classification Sherloc (09022015). Collection method: clinical testing. Allele origin: germline.

Mayo Clinic Laboratories, Mayo Clinic
Classification: Benign. Last evaluated: 2025-08-04. Review status: criteria provided, single submitter. Criteria: ACMG Guidelines, 2015. Collection method: clinical testing. Allele origin: germline. Observed: 1 variant allele.
Comment: BS1, BS2, BP4, BP7

GeneDx
Classification: Likely benign. Last evaluated: 2021-12-20. Review status: criteria provided, single submitter. Criteria: GeneDx Variant Classification Process June 2021. Collection method: clinical testing. Allele origin: germline. Affected: yes.
Comment: See Variant Classification Assertion Criteria.

Illumina Laboratory Services, Illumina
Classification: Benign for Leukodystrophy, hypomyelinating, 7, with or without oligodontia and/or hypogonadotropic hypogonadism. Last evaluated: 2018-01-13. Review status: criteria provided, single submitter. Criteria: ICSL Variant Classification Criteria 13 December 2019. Collection method: clinical testing. Allele origin: germline.
Comment: This variant was observed in the ICSL laboratory as part of a predisposition screen in an ostensibly healthy population. It had not been previously curated by ICSL or reported in the Human Gene Mutation Database (HGMD: prior to June 1st, 2018), and was therefore a candidate for classification through an automated scoring system. Utilizing variant allele frequency, disease prevalence and penetrance estimates, and inheritance mode, an automated score was calculated to assess if this variant is too frequent to cause the disease. Based on the score and internal cut-off values, a variant classified as benign is not then subjected to further curation. The score for this variant resulted in a classification of benign for this disease.

Breakthrough Genomics
Classification: Benign. Review status: criteria provided, single submitter. Criteria: ACMG Guidelines, 2015. Collection method: not provided. Allele origin: germline. Inheritance: Autosomal recessive inheritance. Affected: yes.

NM_007055.4(POLR3A):c.3279C>T (p.Asp1093=)

Genes: POLR3A (RNA polymerase III subunit A; minus strand), LOC126860970 (BRD4-independent group 4 enhancer GRCh37_chr10:79743812-79745011; plus strand). Cytogenetic location: 10q22.3.
Variant type: single nucleotide variant.
Coding change: c.3279C>T on transcript NM_007055.4 (MANE Select); coding-DNA position 3279, C replaced by T.
Protein change: p.Asp1093=; no amino-acid change (aspartic acid 1093 retained).
Molecular consequence: synonymous variant.
Genome position (GRCh38, 1-based): chr10:77,984,262, G>A on the plus strand (C>T on the coding strand, the complement: POLR3A is on the minus strand). VCF-style: chr10-77984262-G-A. GRCh37 (hg19) VCF-style: chr10-79744020-G-A.
Other names: p.Asp1093=.
Identifiers: ClinVar variation 301047 (VCV000301047.18), dbSNP rs77540138, ClinGen allele CA5570889.